The following is an entry in ClinVar:

NM_001111.5(ADAR):c.2644G>A (p.Gly882Ser)

Genes: ADAR (adenosine deaminase RNA specific; minus strand), LOC126805874 (CDK7 strongly-dependent group 2 enhancer GRCh37_chr1:154561176-154562375; plus strand). Cytogenetic location: 1q21.3.
Variant type: single nucleotide variant.
Coding change: c.2644G>A on transcript NM_001111.5 (MANE Select); coding-DNA position 2644, G replaced by A.
Protein change: p.Gly882Ser; replaces glycine 882 with serine.
Molecular consequence: missense variant.
Genome position (GRCh38, 1-based): chr1:154,589,781, C>T on the plus strand (G>A on the coding strand, the complement: ADAR is on the minus strand). VCF-style: chr1-154589781-C-T. GRCh37 (hg19) VCF-style: chr1-154562257-C-T.
Other names: c.1759G>A, p.Gly587Ser (NM_001025107.3, NM_001193495.2, NM_001365046.1 and 2 more transcripts); c.2671G>A, p.Gly891Ser (NM_001365045.1); c.1681G>A, p.Gly561Ser (NM_001365049.1); c.2566G>A, p.Gly856Ser (NM_015840.4); c.2509G>A, p.Gly837Ser (NM_015841.4); short protein forms G837S, G882S, G891S, G856S, G561S, G587S.
Identifiers: ClinVar variation 4794020 (VCV004794020.1).

ClinVar aggregate classification (germline): Uncertain significance (1 of 4 stars; one submission).

Conditions:
Symmetrical dyschromatosis of extremities (DSH). Also called: DYSCHROMATOSIS SYMMETRICA HEREDITARIA 1; RETICULATE ACROPIGMENTATION OF DOHI; SYMMETRIC DYSCHROMATOSIS OF THE EXTREMITIES; Dyschromatosis symmetrica hereditaria. Identifiers: Orphanet 41, MedGen C0406775, MONDO:0007483, OMIM 127400.
Aicardi-Goutieres syndrome 6 (AGS6). Identifiers: Orphanet 51, MedGen C3539013, MONDO:0014007, OMIM 615010.

gnomAD v4.1: 4 of 1,613,962 alleles (0.00025%); highest among the groups gnomAD compares: South Asian, 0.0033%; no homozygotes.

Submission:

Labcorp Genetics (formerly Invitae), Labcorp
Classification: Uncertain significance for Aicardi-Goutieres syndrome 6; Symmetrical dyschromatosis of extremities. Last evaluated: 2025-09-14. Review status: criteria provided, single submitter. Criteria: Invitae Variant Classification Sherloc (09022015). Collection method: clinical testing. Allele origin: germline.
Comment: This sequence change replaces glycine, which is neutral and non-polar, with serine, which is neutral and polar, at codon 882 of the ADAR protein (p.Gly882Ser). This variant is present in population databases (rs753592604, gnomAD 0.006%). This variant has not been reported in the literature in individuals affected with ADAR-related conditions. Invitae Evidence Modeling of protein sequence and biophysical properties (such as structural, functional, and spatial information, amino acid conservation, physicochemical variation, residue mobility, and thermodynamic stability) has been performed for this missense variant. However, the output from this modeling did not meet the statistical confidence thresholds required to predict the impact of this variant on ADAR protein function. In summary, the available evidence is currently insufficient to determine the role of this variant in disease. Therefore, it has been classified as a Variant of Uncertain Significance.